The following is an entry in ClinVar:

ClinVar aggregate classification (germline): Uncertain significance (1 of 4 stars; one submission).

Conditions:
Cardiovascular phenotype. Identifiers: MedGen CN230736.

Submission:

Ambry Genetics
Classification: Uncertain significance for Cardiovascular phenotype. Last evaluated: 2023-04-18. Review status: criteria provided, single submitter. Criteria: Ambry Variant Classification Scheme 2023. Collection method: clinical testing. Allele origin: germline.
Comment: The p.S711P variant (also known as c.2131T>C), located in coding exon 13 of the LDB3 gene, results from a T to C substitution at nucleotide position 2131. The serine at codon 711 is replaced by proline, an amino acid with similar properties. This alteration has been reported in a case report of an individual with sudden cardiac death, which was suspected to be caused by dilated cardiomyopathy and was found to have additional alterations in other cardiac-related genes (Jin JY et al. Front Cardiovasc Med, 2022 Mar;9:806977). This amino acid position is highly conserved in available vertebrate species. In addition, this alteration is predicted to be deleterious by in silico analysis. Since supporting evidence is limited at this time, the clinical significance of this alteration remains unclear.

Literature cited by the submitters: PubMed 35310975.

NM_007078.3(LDB3):c.2131T>C (p.Ser711Pro)

Gene: LDB3 (LIM domain binding 3; plus strand). Cytogenetic location: 10q23.2.
Variant type: single nucleotide variant.
Coding change: c.2131T>C on transcript NM_007078.3 (MANE Select); coding-DNA position 2131, T replaced by C.
Protein change: p.Ser711Pro; replaces serine 711 with proline.
Molecular consequence: missense variant.
Genome position (GRCh38, 1-based): chr10:86,732,923, T>C. VCF-style: chr10-86732923-T-C. GRCh37 (hg19) VCF-style: chr10-88492680-T-C.
Other names: c.1801T>C, p.Ser601Pro (NM_001080114.2); c.2146T>C, p.Ser716Pro (NM_001171610.2); c.1942T>C, p.Ser648Pro (NM_001368064.1, NM_001368065.1); c.1990T>C, p.Ser664Pro (NM_001368066.1); short protein forms S601P, S648P, S664P, S716P, S711P.
Identifiers: ClinVar variation 2563920 (VCV002563920.2), dbSNP rs760340176, ClinGen allele CA377460284.